The following is an entry in ClinVar:

ClinVar aggregate classification (germline): Likely benign. Review status: criteria provided, multiple submitters, no conflicts (2 of 4 stars). 2 submissions from 2 submitters: Likely benign (2). Last evaluated 2026-09-01.

Conditions:
SATB1-related disorder. Also called: SATB1-related condition.

Allele frequency attached by ClinVar (database versions not stated): ESP Exome Variant Server 0.00023; 1000 Genomes Project 30x 0.00031; 1000 Genomes Project 0.00040.

Submissions (2):

CeGaT Center for Human Genetics Tuebingen
Classification: Likely benign. Last evaluated: 2026-09-01. Review status: criteria provided, single submitter. Criteria: CeGaT Center For Human Genetics Tuebingen Variant Classification Criteria Version 2. Collection method: clinical testing. Allele origin: germline. Affected: yes. Observed: 2 variant alleles.
Comment: SATB1: BP4, BP7

PreventionGenetics, part of Exact Sciences
Classification: Likely benign for SATB1-related condition. Last evaluated: 2026-01-13. Review status: criteria provided, single submitter. Criteria: ACMG Guidelines, 2015. Collection method: clinical testing. Allele origin: germline.
Comment: This variant is classified as likely benign based on ACMG/AMP sequence variant interpretation guidelines (Richards et al. 2015 PMID: 25741868, with internal and published modifications).

NM_002971.6(SATB1):c.1173G>A (p.Ala391=)

Gene: SATB1 (SATB homeobox 1; minus strand). Cytogenetic location: 3p24.3.
Variant type: single nucleotide variant.
Coding change: c.1173G>A on transcript NM_002971.6 (MANE Select); coding-DNA position 1173, G replaced by A.
Protein change: p.Ala391=; no amino-acid change (alanine 391 retained).
Molecular consequence: synonymous variant.
Genome position (GRCh38, 1-based): chr3:18,394,495, C>T on the plus strand (G>A on the coding strand, the complement: SATB1 is on the minus strand). VCF-style: chr3-18394495-C-T. GRCh37 (hg19) VCF-style: chr3-18435987-C-T.
Other names: c.1173G>A (NM_001195470.2); c.1173G>A, p.Ala391= (NM_001131010.4, NM_001195470.3, NM_001322871.2 and 4 more transcripts); c.957G>A, p.Ala319= (NM_001322876.2).
Identifiers: ClinVar variation 3025122 (VCV003025122.23), dbSNP rs138600004, ClinGen allele CA2282080.